The following is an entry in ClinVar:

ClinVar aggregate classification (germline): Uncertain significance (1 of 4 stars; one submission).

Conditions:
Leigh syndrome (NULS). Also called: Leigh's necrotizing encephalopathy; Leigh's disease; Leigh Syndrome (mtDNA deletion); Leigh Disease; Subacute necrotizing encephalopathy; Necrotizing encephalopathy infantile subacute of Leigh. Identifiers: Orphanet 506, MedGen C2931891, MONDO:0009723, OMIM 256000.

Submission:

Wong Mito Lab, Molecular and Human Genetics, Baylor College of Medicine
Classification: Uncertain significance for Leigh syndrome. Last evaluated: 2019-10-17. Review status: criteria provided, single submitter. Criteria: Modified ACMG Guidelines (Unpublished). Collection method: clinical testing. Allele origin: germline.
Comment: The NC_012920.1:m.12613G>T (YP_003024036.1:p.Ala93Ser) variant in MTND5 gene is interpretated to be a Uncertain Significance variant based on the modified ACMG guidelines (unpublished). This variant meets the following evidence codes: PP4

NC_012920.1(MT-ND5):m.12613G>T

Gene: MT-ND5 (mitochondrially encoded NADH dehydrogenase 5; plus strand).
Variant type: single nucleotide variant.
Genome position: chrM-12613-G-T.
Identifiers: ClinVar variation 693469 (VCV000693469.1), dbSNP rs1603223834, ClinGen allele CA414814016.